The following is an entry in ClinVar:

NM_001384140.1(PCDH15):c.3540del (p.Tyr1181fs)

Gene: PCDH15 (protocadherin related 15; minus strand). Cytogenetic location: 10q21.1.
Variant type: Deletion.
Coding change: c.3540del on transcript NM_001384140.1 (MANE Select); coding-DNA position 3540, one base deleted (C; older notation c.3540delC).
Protein change: p.Tyr1181fs; shifts the reading frame from tyrosine 1181.
Molecular consequence: frameshift variant.
Genome position (GRCh38, 1-based): chr10:53,866,819, G deleted on the plus strand (C on the coding strand, the reverse complement: PCDH15 is on the minus strand); the first of 2 consecutive G bases (chr10:53,866,819-53,866,820); deleting either gives the same sequence. VCF-style (leftmost placement, unchanged base first): chr10-53866818-AG-A. GRCh37 (hg19) VCF-style: chr10-55626578-AG-A.
Other names: c.3555del, p.Tyr1186fs (NM_001142763.2, NM_001142771.2); c.3540del, p.Tyr1181fs (NM_001142764.2, NM_001142766.2, NM_001142770.3 and 4 more transcripts); c.3327del, p.Tyr1110fs (NM_001142765.2); c.3429del, p.Tyr1144fs (NM_001142767.2); c.3474del, p.Tyr1159fs (NM_001142768.2, NM_001142773.2, NM_001354404.2); c.3575delC, p.Tyr1193Thrfs (NM_001142769.4); c.3561del, p.Tyr1188fs (NM_001354411.2); short protein forms Y1110fs, Y1144fs, Y1159fs, Y1181fs, Y1186fs, Y1188fs, Y1193fs.
Identifiers: ClinVar variation 4816370 (VCV004816370.1).

ClinVar aggregate classification (germline): Likely pathogenic (1 of 4 stars; one submission).

Conditions:
Usher syndrome type 1F (USH1F). Also called: USHER SYNDROME, TYPE IF. Identifiers: Orphanet 231169, Orphanet 886, MedGen C1865885, MONDO:0011186, OMIM 602083.

Submission:

Natera, Inc.
Classification: Likely pathogenic for Usher syndrome type 1F. Last evaluated: 2025-12-01. Review status: criteria provided, single submitter. Criteria: Natera Variant Classification Schema (03/2026). Collection method: clinical testing. Allele origin: germline.
Comment: The c.3540delC variant in PCDH15 is a frameshift variant predicted to shift the reading frame beginning at codon 1181 and leads to a stop codon 4 codons downstream. This variant is expected to result in nonsense mediated decay, truncation, or a dysfunctional protein product. This variant is rare in the general population with a frequency below the threshold expected for the associated phenotype(s). Given the available evidence, this variant is classified as Likely Pathogenic.